The following is an entry in ClinVar:

ClinVar aggregate classification (germline): Pathogenic (1 of 4 stars; one submission).

Conditions:
Hereditary diffuse gastric adenocarcinoma (HDGC). Also called: DIFFUSE GASTRIC AND LOBULAR BREAST CANCER SYNDROME. Identifiers: Orphanet 26106, MedGen C1708349, MONDO:0007648, OMIM 137215.

Submission:

Myriad Genetics, Inc.
Classification: Pathogenic for Hereditary diffuse gastric adenocarcinoma. Last evaluated: 2023-06-13. Review status: criteria provided, single submitter. Criteria: Myriad Autosomal Dominant, Autosomal Recessive and X-Linked Classification Criteria (2023). Collection method: clinical testing. Allele origin: unknown.
Comment: This variant is considered pathogenic. This variant creates a termination codon and is predicted to result in premature protein truncation.

NM_004360.5(CDH1):c.1162G>T (p.Glu388Ter)

Gene: CDH1 (cadherin 1; plus strand). Cytogenetic location: 16q22.1.
Variant type: single nucleotide variant.
Coding change: c.1162G>T on transcript NM_004360.5 (MANE Select); coding-DNA position 1162, G replaced by T.
Protein change: p.Glu388Ter; replaces glutamic acid 388 with a stop codon.
Molecular consequence: nonsense. On other transcripts: 5 prime UTR variant (2), intron variant (1).
Genome position (GRCh38, 1-based): chr16:68,813,337, G>T. VCF-style: chr16-68813337-G-T. GRCh37 (hg19) VCF-style: chr16-68847240-G-T.
Other names: c.-454G>T (NM_001317185.2); c.-658G>T (NM_001317186.2); c.1137+1074G>T (NM_001317184.2); short protein forms E388*.
Identifiers: ClinVar variation 2584291 (VCV002584291.2), dbSNP rs372838203, ClinGen allele CA396461106.
Genomic context (GRCh38, chr16:68,813,337, plus strand): 5'-GGTACTTTGTAAATGACACATCTCTTTGCTCTGCAGTACAAGGGTCAGGTGCCTGAGAAC[G>T]AGGCTAACGTCGTAATCACCACACTGAAAGTGACTGATGCTGATGCCCCCAATACCCCAG-3'